The following is an entry in ClinVar:

ClinVar aggregate classification (germline): Likely benign (0 of 4 stars; one submission).

Conditions:
FOXP1-related disorder. Also called: FOXP1-related condition.

Submission:

PreventionGenetics, part of Exact Sciences
Classification: Likely benign for FOXP1-related condition. Last evaluated: 2023-07-28. Review status: no assertion criteria provided. Collection method: clinical testing. Allele origin: germline.
Comment: This variant is classified as likely benign based on ACMG/AMP sequence variant interpretation guidelines (Richards et al. 2015 PMID: 25741868, with internal and published modifications).

NM_001349338.3(FOXP1):c.1652+380C>G

Gene: FOXP1 (forkhead box P1; minus strand). Cytogenetic location: 3p13.
Variant type: single nucleotide variant.
Coding change: c.1652+380C>G on transcript NM_001349338.3 (MANE Select); 380 bases into the intron after coding-DNA position 1652, C replaced by G.
Molecular consequence: intron variant. On other transcripts: synonymous variant (1).
Genome position (GRCh38, 1-based): chr3:70,972,175, G>C on the plus strand (C>G on the coding strand, the complement: FOXP1 is on the minus strand). VCF-style: chr3-70972175-G-C. GRCh37 (hg19) VCF-style: chr3-71021326-G-C.
Other names: c.1536C>G, p.Ala512= (NM_001244810.2); c.1652+380C>G (NM_032682.6, NM_001349340.3, NM_001244816.2 and 1 more transcripts); c.1649+380C>G (NM_001349341.3, NM_001244808.3); c.1424+380C>G (NM_001244812.3); c.1349+380C>G (NM_001349343.3, NM_001349337.2, NM_001370548.1 and 1 more transcripts); c.1352+380C>G (NM_001349342.3, NM_001244815.2, NM_001244813.3).
Identifiers: ClinVar variation 3044278 (VCV003044278.2), dbSNP rs2545039578, ClinGen allele CA2740094500.